The following is an entry in ClinVar:

ClinVar aggregate classification (germline): Likely benign (1 of 4 stars; one submission).

Allele frequency attached by ClinVar (database versions not stated): gnomAD exomes 0.00001; ExAC 0.00005.

Submission:

CeGaT Center for Human Genetics Tuebingen
Classification: Likely benign. Last evaluated: 2022-09-01. Review status: criteria provided, single submitter. Criteria: CeGaT Center For Human Genetics Tuebingen Variant Classification Criteria Version 2. Collection method: clinical testing. Allele origin: germline. Affected: yes. Observed: 1 variant allele.
Comment: TPSB2: BP4, BP7

NM_024164.6(TPSB2):c.666C>T (p.Gly222=)

Gene: TPSB2 (tryptase beta 2; minus strand). Cytogenetic location: 16p13.3.
Variant type: single nucleotide variant.
Coding change: c.666C>T on transcript NM_024164.6 (MANE Select); coding-DNA position 666, C replaced by T.
Protein change: p.Gly222=; no amino-acid change (glycine 222 retained).
Molecular consequence: synonymous variant.
Genome position (GRCh38, 1-based): chr16:1,228,812, G>A on the plus strand (C>T on the coding strand, the complement: TPSB2 is on the minus strand). VCF-style: chr16-1228812-G-A. GRCh37 (hg19) VCF-style: chr16-1278812-G-A.
Identifiers: ClinVar variation 2645885 (VCV002645885.24), dbSNP rs781452222, ClinGen allele CA7803294.